The following is an entry in ClinVar:

NM_017654.4(SAMD9):c.4742C>T (p.Pro1581Leu)

Gene: SAMD9 (sterile alpha motif domain containing 9; minus strand). Cytogenetic location: 7q21.2.
Variant type: single nucleotide variant.
Coding change: c.4742C>T on transcript NM_017654.4 (MANE Select); coding-DNA position 4742, C replaced by T.
Protein change: p.Pro1581Leu; replaces proline 1581 with leucine.
Molecular consequence: missense variant.
Genome position (GRCh38, 1-based): chr7:93,101,356, G>A on the plus strand (C>T on the coding strand, the complement: SAMD9 is on the minus strand). VCF-style: chr7-93101356-G-A. GRCh37 (hg19) VCF-style: chr7-92730669-G-A.
Other names: c.4742C>T, p.Pro1581Leu (NM_001193307.2); c.4742C>T (NM_017654.3); short protein forms P1581L.
Identifiers: ClinVar variation 2811906 (VCV002811906.6), dbSNP rs768443589, ClinGen allele CA4342500.

ClinVar aggregate classification (germline): Uncertain significance. Review status: criteria provided, multiple submitters, no conflicts (2 of 4 stars). 4 submissions from 4 submitters: Uncertain significance (4). Last evaluated 2026-08-15.

Conditions:
Inborn genetic diseases. Identifiers: MedGen C0950123, MeSH D030342.
SAMD9-related disorder. Also called: SAMD9-related condition.

Allele frequency attached by ClinVar (database versions not stated): ExAC 0.00001; gnomAD 0.00001; TOPMed 0.00001.
gnomAD v4.1: 2 of 1,612,766 alleles (0.00012%); highest among the groups gnomAD compares: Admixed American, 0.0017%; no homozygotes.

Submissions (4):

PreventionGenetics, part of Exact Sciences
Classification: Uncertain significance for SAMD9-related condition. Last evaluated: 2026-08-15. Review status: criteria provided, single submitter. Criteria: ACMG Guidelines, 2015. Collection method: clinical testing. Allele origin: germline.
Comment: The SAMD9 c.4742C>T variant is predicted to result in the amino acid substitution p.Pro1581Leu. To our knowledge, this variant has not been reported in the literature. This variant is reported in 0.0028% of alleles in individuals of Latino descent in gnomAD and is classified as uncertain in ClinVar (Variation ID: 2811906). At this time, the clinical significance of this variant is uncertain due to the absence of conclusive functional and genetic evidence.

Ambry Genetics
Classification: Uncertain significance for Inborn genetic diseases. Last evaluated: 2024-12-13. Review status: criteria provided, single submitter. Criteria: Ambry Variant Classification Scheme 2023. Collection method: clinical testing. Allele origin: germline.
Comment: The p.P1581L variant (also known as c.4742C>T), located in coding exon 1 of the SAMD9 gene, results from a C to T substitution at nucleotide position 4742. The proline at codon 1581 is replaced by leucine, an amino acid with similar properties. This amino acid position is conserved. In addition, this alteration is predicted to be tolerated by in silico analysis. Based on the available evidence, the clinical significance of this variant remains unclear.

GeneDx
Classification: Uncertain significance. Last evaluated: 2024-02-07. Review status: criteria provided, single submitter. Criteria: GeneDx Variant Classification Process June 2021. Collection method: clinical testing. Allele origin: germline. Affected: yes.
Comment: Not observed at significant frequency in large population cohorts (gnomAD); In silico analysis supports that this missense variant has a deleterious effect on protein structure/function; Has not been previously published as pathogenic or benign to our knowledge

Labcorp Genetics (formerly Invitae), Labcorp
Classification: Uncertain significance. Last evaluated: 2023-06-04. Review status: criteria provided, single submitter. Criteria: Invitae Variant Classification Sherloc (09022015). Collection method: clinical testing. Allele origin: germline.
Comment: Advanced modeling of protein sequence and biophysical properties (such as structural, functional, and spatial information, amino acid conservation, physicochemical variation, residue mobility, and thermodynamic stability) performed at Invitae indicates that this missense variant is not expected to disrupt SAMD9 protein function. This variant has not been reported in the literature in individuals affected with SAMD9-related conditions. In summary, the available evidence is currently insufficient to determine the role of this variant in disease. Therefore, it has been classified as a Variant of Uncertain Significance. This sequence change replaces proline, which is neutral and non-polar, with leucine, which is neutral and non-polar, at codon 1581 of the SAMD9 protein (p.Pro1581Leu). This variant is present in population databases (rs768443589, gnomAD 0.003%).